The following is an entry in ClinVar:

ClinVar aggregate classification (germline): Uncertain significance (1 of 4 stars; one submission).

Conditions:
Koolen-de Vries syndrome (KDVS). Identifiers: Orphanet 96169, MedGen C1864871, MONDO:0012496, OMIM 610443.

Submission:

Labcorp Genetics (formerly Invitae), Labcorp
Classification: Uncertain significance for Koolen-de Vries syndrome. Last evaluated: 2024-09-04. Review status: criteria provided, single submitter. Criteria: Invitae Variant Classification Sherloc (09022015). Collection method: clinical testing. Allele origin: germline.
Comment: This sequence change replaces arginine, which is basic and polar, with glycine, which is neutral and non-polar, at codon 990 of the KANSL1 protein (p.Arg990Gly). This variant is not present in population databases (gnomAD no frequency). This variant has not been reported in the literature in individuals affected with KANSL1-related conditions. Invitae Evidence Modeling of protein sequence and biophysical properties (such as structural, functional, and spatial information, amino acid conservation, physicochemical variation, residue mobility, and thermodynamic stability) indicates that this missense variant is not expected to disrupt KANSL1 protein function with a negative predictive value of 80%. In summary, the available evidence is currently insufficient to determine the role of this variant in disease. Therefore, it has been classified as a Variant of Uncertain Significance.

NM_015443.4(KANSL1):c.2968A>G (p.Arg990Gly)

Gene: KANSL1 (KAT8 regulatory NSL complex subunit 1). Cytogenetic location: 17q21.31.
Variant type: single nucleotide variant.
Coding change: c.2968A>G on transcript NM_015443.4 (MANE Select); coding-DNA position 2968, A replaced by G.
Protein change: p.Arg990Gly; replaces arginine 990 with glycine.
Molecular consequence: missense variant. On other transcripts: splice acceptor variant (4).
Genome position (GRCh38, 1-based): chr17:46,032,169, T>C on the plus strand (A>G on the coding strand, the complement: KANSL1 is on the minus strand). VCF-style: chr17-46032169-T-C. GRCh37 (hg19) VCF-style: chr17-44109535-T-C.
Other names: c.2965A>G, p.Arg989Gly (NM_001193465.2, NM_001405856.1, NM_001405857.1 and 1 more transcripts); c.2968A>G, p.Arg990Gly (NM_001193466.2, NM_001379198.1, NM_001405854.1 and 1 more transcripts); c.2866A>G, p.Arg956Gly (NM_001405859.1, NM_001405860.1); c.2863A>G, p.Arg955Gly (NM_001405861.1); c.2779A>G, p.Arg927Gly (NM_001405875.1, NM_001405876.1, NM_001405877.1 and 1 more transcripts); c.2776A>G, p.Arg926Gly (NM_001405879.1, NM_001405880.1); c.1702A>G, p.Arg568Gly (NM_001405882.1); c.1699A>G, p.Arg567Gly (NM_001405883.1); and 4 more; short protein forms R567G, R504G, R568G, R926G, R505G, R927G, R956G, R989G.
Identifiers: ClinVar variation 3709860 (VCV003709860.2).